The following is an entry in ClinVar:

ClinVar aggregate classification (germline): Uncertain significance (1 of 4 stars; one submission).

Conditions:
Left ventricular noncompaction 1 (LVNC1). Also called: LEFT VENTRICULAR NONCOMPACTION 1 WITH OR WITHOUT CONGENITAL HEART DEFECTS. Identifiers: Orphanet 54260, MedGen C1858725, MONDO:0011403, OMIM 604169.

Allele frequency attached by ClinVar (database versions not stated): gnomAD exomes below 0.00001.
gnomAD v4.1: 3 of 1,613,372 alleles (0.00019%); highest among the groups gnomAD compares: Non-Finnish European, 0.00025%; no homozygotes.

Submission:

Labcorp Genetics (formerly Invitae), Labcorp
Classification: Uncertain significance for Left ventricular noncompaction 1. Last evaluated: 2022-11-25. Review status: criteria provided, single submitter. Criteria: Invitae Variant Classification Sherloc (09022015). Collection method: clinical testing. Allele origin: germline.
Comment: This variant is not present in population databases (gnomAD no frequency). In summary, the available evidence is currently insufficient to determine the role of this variant in disease. Therefore, it has been classified as a Variant of Uncertain Significance. Advanced modeling of protein sequence and biophysical properties (such as structural, functional, and spatial information, amino acid conservation, physicochemical variation, residue mobility, and thermodynamic stability) performed at Invitae indicates that this missense variant is not expected to disrupt DTNA protein function. This variant has not been reported in the literature in individuals affected with DTNA-related conditions. This sequence change replaces glycine, which is neutral and non-polar, with arginine, which is basic and polar, at codon 9 of the DTNA protein (p.Gly9Arg).

NM_001386795.1(DTNA):c.25G>C (p.Gly9Arg)

Genes: DTNA (dystrobrevin alpha; plus strand), DTNA-AS1 (DTNA antisense RNA 1; minus strand). Cytogenetic location: 18q12.1.
Variant type: single nucleotide variant.
Coding change: c.25G>C on transcript NM_001386795.1 (MANE Select); coding-DNA position 25, G replaced by C.
Protein change: p.Gly9Arg; replaces glycine 9 with arginine.
Molecular consequence: missense variant.
Genome position (GRCh38, 1-based): chr18:34,756,001, G>C. VCF-style: chr18-34756001-G-C. GRCh37 (hg19) VCF-style: chr18-32335965-G-C.
Other names: c.25G>C, p.Gly9Arg (NM_001128175.2, NM_001198938.2, NM_001198939.2 and 35 more transcripts); short protein forms G9R.
Identifiers: ClinVar variation 2895904 (VCV002895904.3), dbSNP rs2514849268, ClinGen allele CA402274285.